The following is an entry in ClinVar:

ClinVar aggregate classification (germline): Uncertain significance (1 of 4 stars; one submission).

Conditions:
Autosomal dominant Parkinson disease 8. Also called: Parkinson disease 8, susceptibility to; LRRK2-Related Parkinson Disease; Parkinson disease 8. Identifiers: Orphanet 411602, MedGen C1846862, MONDO:0011764, OMIM 607060.

Allele frequency attached by ClinVar (database versions not stated): gnomAD exomes below 0.00001.
gnomAD v4.1: 1 of 1,612,212 alleles (0.000062%); highest among the groups gnomAD compares: Non-Finnish European, 0.000085%; no homozygotes.

Submission:

Labcorp Genetics (formerly Invitae), Labcorp
Classification: Uncertain significance for Autosomal dominant Parkinson disease 8. Last evaluated: 2023-03-02. Review status: criteria provided, single submitter. Criteria: Invitae Variant Classification Sherloc (09022015). Collection method: clinical testing. Allele origin: germline.
Comment: In summary, the available evidence is currently insufficient to determine the role of this variant in disease. Therefore, it has been classified as a Variant of Uncertain Significance. Algorithms developed to predict the effect of sequence changes on RNA splicing suggest that this variant may disrupt the consensus splice site. Algorithms developed to predict the effect of missense changes on protein structure and function output the following: SIFT: "Not Available"; PolyPhen-2: "Benign"; Align-GVGD: "Not Available". The threonine amino acid residue is found in multiple mammalian species, which suggests that this missense change does not adversely affect protein function. This variant has not been reported in the literature in individuals affected with LRRK2-related conditions. This variant is not present in population databases (gnomAD no frequency). This sequence change replaces methionine, which is neutral and non-polar, with threonine, which is neutral and polar, at codon 2459 of the LRRK2 protein (p.Met2459Thr).

NM_198578.4(LRRK2):c.7376T>C (p.Met2459Thr)

Gene: LRRK2 (leucine rich repeat kinase 2; plus strand). Cytogenetic location: 12q12.
Variant type: single nucleotide variant.
Coding change: c.7376T>C on transcript NM_198578.4 (MANE Select); coding-DNA position 7376, T replaced by C.
Protein change: p.Met2459Thr; replaces methionine 2459 with threonine.
Molecular consequence: missense variant.
Genome position (GRCh38, 1-based): chr12:40,365,036, T>C. VCF-style: chr12-40365036-T-C. GRCh37 (hg19) VCF-style: chr12-40758838-T-C.
Other names: short protein forms M2459T.
Identifiers: ClinVar variation 2842260 (VCV002842260.3), dbSNP rs2500038915, ClinGen allele CA384415351.